The following is an entry in ClinVar:

ClinVar aggregate classification (germline): Uncertain significance (1 of 4 stars; one submission).

Conditions:
Hypertrophic cardiomyopathy 2. Also called: TNNT2-Related Familial Hypertrophic Cardiomyopathy. Identifiers: MedGen C1861864, MONDO:0007266, OMIM 115195.
Dilated cardiomyopathy 1D. Identifiers: Orphanet 154, Orphanet 54260, MedGen C1832243, MONDO:0011095, OMIM 601494.
Cardiomyopathy, familial restrictive, 3. Identifiers: Orphanet 75249, MedGen C2676271, MONDO:0012900, OMIM 612422.

Submission:

Labcorp Genetics (formerly Invitae), Labcorp
Classification: Uncertain significance for Cardiomyopathy, familial restrictive, 3; Hypertrophic cardiomyopathy 2; Dilated cardiomyopathy 1D. Last evaluated: 2019-03-13. Review status: criteria provided, single submitter. Criteria: Invitae Variant Classification Sherloc (09022015). Collection method: clinical testing. Allele origin: germline.
Comment: This sequence change replaces arginine with proline at codon 158 of the TNNT2 protein (p.Arg158Pro). The arginine residue is moderately conserved and there is a moderate physicochemical difference between arginine and proline. This variant is not present in population databases (ExAC no frequency). This variant has not been reported in the literature in individuals with TNNT2-related conditions. Algorithms developed to predict the effect of missense changes on protein structure and function are either unavailable or do not agree on the potential impact of this missense change (SIFT: "Tolerated"; PolyPhen-2: "Probably Damaging"; Align-GVGD: "Class C0"). In summary, the available evidence is currently insufficient to determine the role of this variant in disease. Therefore, it has been classified as a Variant of Uncertain Significance.

NM_001276345.2(TNNT2):c.503G>C (p.Arg168Pro)

Gene: TNNT2 (troponin T2, cardiac type; minus strand). Cytogenetic location: 1q32.1.
Variant type: single nucleotide variant.
Coding change: c.503G>C on transcript NM_001276345.2 (MANE Select); coding-DNA position 503, G replaced by C.
Protein change: p.Arg168Pro; replaces arginine 168 with proline.
Molecular consequence: missense variant.
Genome position (GRCh38, 1-based): chr1:201,363,393, C>G on the plus strand (G>C on the coding strand, the complement: TNNT2 is on the minus strand). VCF-style: chr1-201363393-C-G. GRCh37 (hg19) VCF-style: chr1-201332521-C-G.
Other names: c.503G>C, p.Arg168Pro (NM_000364.4); c.473G>C, p.Arg158Pro (NM_001001430.3, NM_001001431.3, NM_001276347.2); c.458G>C, p.Arg153Pro (NM_001001432.3); c.383G>C, p.Arg128Pro (NM_001276346.2); short protein forms R128P, R153P, R168P, R158P.
Identifiers: ClinVar variation 848994 (VCV000848994.9), dbSNP rs397516468, ClinGen allele CA344204625.